The following is an entry in ClinVar:

NM_015662.3(IFT172):c.5160+5G>A

Genes: KRTCAP3 (keratinocyte associated protein 3; plus strand), IFT172 (intraflagellar transport 172; minus strand). Cytogenetic location: 2p23.3.
Variant type: single nucleotide variant.
Coding change: c.5160+5G>A on transcript NM_015662.3 (MANE Select); 5 bases into the intron after coding-DNA position 5160, G replaced by A.
Molecular consequence: intron variant.
Genome position (GRCh38, 1-based): chr2:27,445,009, C>T on the plus strand (G>A on the coding strand, the complement: IFT172 is on the minus strand). VCF-style: chr2-27445009-C-T. GRCh37 (hg19) VCF-style: chr2-27667876-C-T.
Other names: c.*5+948C>T (NM_001168364.2); c.5094+5G>A (NM_001410739.1).
Identifiers: ClinVar variation 956241 (VCV000956241.10), dbSNP rs1664926036, ClinGen allele CA425411411.

ClinVar aggregate classification (germline): Uncertain significance. Review status: criteria provided, multiple submitters, no conflicts (2 of 4 stars). 2 submissions from 2 submitters: Uncertain significance (2). Last evaluated 2026-05-22.

Conditions:
IFT172-related disorder. Also called: IFT172-related condition; IFT172-related disorders.
Retinitis pigmentosa 71 (RP71). Identifiers: Orphanet 791, MedGen C4225342, MONDO:0014618, OMIM 616394.
Short-rib thoracic dysplasia 10 with or without polydactyly (SRTD10). Identifiers: Orphanet 474, MedGen C3810175, MONDO:0014284, OMIM 615630.

Allele frequency attached by ClinVar (database versions not stated): TOPMed below 0.00001; gnomAD exomes below 0.00001; gnomAD 0.00001.
gnomAD v4.1: 2 of 1,613,782 alleles (0.00012%); highest among the groups gnomAD compares: Middle Eastern, 0.016%; no homozygotes.

Submissions (2):

PreventionGenetics, part of Exact Sciences
Classification: Uncertain significance for IFT172-related condition. Last evaluated: 2026-05-22. Review status: criteria provided, single submitter. Criteria: ACMG Guidelines, 2015. Collection method: clinical testing. Allele origin: germline.
Comment: The IFT172 c.5160+5G>A variant is predicted to interfere with splicing. This variant is predicted to impact splicing based on a splicing prediction program (SpliceAI, Jaganathan K, et al. 2019. PubMed ID: 30661751). The +5 position is part of the minimal donor splice region which is clinically relevant (Lord et al. 2019. PubMed ID: 30587507; Walker et al. 2023. PubMed ID: 37352859). To our knowledge, this variant has not been reported in the literature or in a large population database (gnomAD), indicating this variant is rare. At this time, the clinical significance of this variant is uncertain due to the absence of conclusive functional and genetic evidence.

Labcorp Genetics (formerly Invitae), Labcorp
Classification: Uncertain significance for Retinitis pigmentosa 71; Short-rib thoracic dysplasia 10 with or without polydactyly. Last evaluated: 2022-08-15. Review status: criteria provided, single submitter. Criteria: Invitae Variant Classification Sherloc (09022015). Collection method: clinical testing. Allele origin: germline.
Comment: This variant has not been reported in the literature in individuals affected with IFT172-related conditions. This variant is not present in population databases (gnomAD no frequency). This sequence change falls in intron 47 of the IFT172 gene. It does not directly change the encoded amino acid sequence of the IFT172 protein. It affects a nucleotide within the consensus splice site. ClinVar contains an entry for this variant (Variation ID: 956241). In summary, the available evidence is currently insufficient to determine the role of this variant in disease. Therefore, it has been classified as a Variant of Uncertain Significance. Variants that disrupt the consensus splice site are a relatively common cause of aberrant splicing (PMID: 17576681, 9536098). Algorithms developed to predict the effect of sequence changes on RNA splicing suggest that this variant may disrupt the consensus splice site.

Literature cited by the submitters: PubMed 17576681 (cited by Labcorp Genetics (formerly Invitae), Labcorp); PubMed 9536098 (cited by Labcorp Genetics (formerly Invitae), Labcorp).